The following is an entry in ClinVar:

NM_021167.5(GATAD1):c.578C>G (p.Ser193Cys)

Gene: GATAD1 (GATA zinc finger domain containing 1; plus strand). Cytogenetic location: 7q21.2.
Variant type: single nucleotide variant.
Coding change: c.578C>G on transcript NM_021167.5 (MANE Select); coding-DNA position 578, C replaced by G.
Protein change: p.Ser193Cys; replaces serine 193 with cysteine.
Molecular consequence: missense variant. On other transcripts: non-coding transcript variant (1).
Genome position (GRCh38, 1-based): chr7:92,454,644, C>G. VCF-style: chr7-92454644-C-G. GRCh37 (hg19) VCF-style: chr7-92083958-C-G.
Other names: short protein forms S193C.
Identifiers: ClinVar variation 1373182 (VCV001373182.10), dbSNP rs780188711, ClinGen allele CA4340324.

ClinVar aggregate classification (germline): Uncertain significance. Review status: criteria provided, multiple submitters, no conflicts (2 of 4 stars). 3 submissions from 3 submitters: Uncertain significance (3). Last evaluated 2025-02-06.

Conditions:
Cardiovascular phenotype. Identifiers: MedGen CN230736.
Dilated cardiomyopathy 2B. Identifiers: Orphanet 154, MedGen C3553409, MONDO:0013848, OMIM 614672.

Allele frequency attached by ClinVar (database versions not stated): gnomAD 0.00001 and 0.00005; TOPMed 0.00007.
gnomAD v4.1: 87 of 1,609,024 alleles (0.0054%); highest among the groups gnomAD compares: Middle Eastern, 0.016%; no homozygotes.

Submissions (3):

Ambry Genetics
Classification: Uncertain significance for Cardiovascular phenotype. Last evaluated: 2025-02-06. Review status: criteria provided, single submitter. Criteria: Ambry Variant Classification Scheme 2023. Collection method: clinical testing. Allele origin: germline.
Comment: The p.S193C variant (also known as c.578C>G), located in coding exon 4 of the GATAD1 gene, results from a C to G substitution at nucleotide position 578. The serine at codon 193 is replaced by cysteine, an amino acid with dissimilar properties. This amino acid position is poorly conserved in available vertebrate species. In addition, this alteration is predicted to be tolerated by in silico analysis. Since supporting evidence is limited at this time, the clinical significance of this alteration remains unclear.

Labcorp Genetics (formerly Invitae), Labcorp
Classification: Uncertain significance for Dilated cardiomyopathy 2B. Last evaluated: 2025-01-29. Review status: criteria provided, single submitter. Criteria: Invitae Variant Classification Sherloc (09022015). Collection method: clinical testing. Allele origin: germline.
Comment: This sequence change replaces serine, which is neutral and polar, with cysteine, which is neutral and slightly polar, at codon 193 of the GATAD1 protein (p.Ser193Cys). This variant is present in population databases (rs780188711, gnomAD 0.009%). This variant has not been reported in the literature in individuals affected with GATAD1-related conditions. ClinVar contains an entry for this variant (Variation ID: 1373182). Invitae Evidence Modeling of protein sequence and biophysical properties (such as structural, functional, and spatial information, amino acid conservation, physicochemical variation, residue mobility, and thermodynamic stability) indicates that this missense variant is not expected to disrupt GATAD1 protein function with a negative predictive value of 80%. In summary, the available evidence is currently insufficient to determine the role of this variant in disease. Therefore, it has been classified as a Variant of Uncertain Significance.

Fulgent Genetics
Classification: Uncertain significance for Dilated cardiomyopathy 2B. Last evaluated: 2021-08-05. Review status: criteria provided, single submitter. Criteria: ACMG Guidelines, 2015. Collection method: clinical testing. Allele origin: unknown.